The following is an entry in ClinVar:

ClinVar aggregate classification (germline): Uncertain significance (1 of 4 stars; one submission).

Conditions:
Hereditary sensory and autonomic neuropathy type 7. Also called: Neuropathy, hereditary sensory and autonomic, type VII; HSAN VII. Identifiers: Orphanet 391397, MedGen C3809882, MONDO:0014244, OMIM 615548.
Familial episodic pain syndrome with predominantly lower limb involvement. Also called: Episodic pain syndrome, familial, 3. Identifiers: Orphanet 391384, Orphanet 391392, MedGen C3809899, MONDO:0014247, OMIM 615552.

Allele frequency attached by ClinVar (database versions not stated): gnomAD exomes below 0.00001.
gnomAD v4.1: 1 of 1,614,088 alleles (0.000062%); highest among the groups gnomAD compares: Middle Eastern, 0.016%; no homozygotes.

Submission:

Labcorp Genetics (formerly Invitae), Labcorp
Classification: Uncertain significance for Familial episodic pain syndrome with predominantly lower limb involvement; Hereditary sensory and autonomic neuropathy type 7. Last evaluated: 2018-12-07. Review status: criteria provided, single submitter. Criteria: Invitae Variant Classification Sherloc (09022015). Collection method: clinical testing. Allele origin: germline.
Comment: This sequence change replaces aspartic acid with valine at codon 655 of the SCN11A protein (p.Asp655Val). The aspartic acid residue is highly conserved and there is a large physicochemical difference between aspartic acid and valine. This variant is not present in population databases (ExAC no frequency). This variant has not been reported in the literature in individuals with SCN11A-related conditions. Algorithms developed to predict the effect of missense changes on protein structure and function (SIFT, PolyPhen-2, Align-GVGD) all suggest that this variant is likely to be disruptive, but these predictions have not been confirmed by published functional studies and their clinical significance is uncertain. In summary, the available evidence is currently insufficient to determine the role of this variant in disease. Therefore, it has been classified as a Variant of Uncertain Significance.

NM_001349253.2(SCN11A):c.1964A>T (p.Asp655Val)

Gene: SCN11A (sodium voltage-gated channel alpha subunit 11; minus strand). Cytogenetic location: 3p22.2.
Variant type: single nucleotide variant.
Coding change: c.1964A>T on transcript NM_001349253.2 (MANE Select); coding-DNA position 1964, A replaced by T.
Protein change: p.Asp655Val; replaces aspartic acid 655 with valine.
Molecular consequence: missense variant.
Genome position (GRCh38, 1-based): chr3:38,899,952, T>A on the plus strand (A>T on the coding strand, the complement: SCN11A is on the minus strand). VCF-style: chr3-38899952-T-A. GRCh37 (hg19) VCF-style: chr3-38941443-T-A.
Other names: c.1964A>T, p.Asp655Val (NM_014139.3); short protein forms D655V.
Identifiers: ClinVar variation 662732 (VCV000662732.5), dbSNP rs1575266312, ClinGen allele CA352161454.
Genomic context (GRCh38, chr3:38,899,952, plus strand): 5'-ACCACTCTGAAGGAACGCAAGAATGGCCAGCTTCTCTTTTGAAGTACACAGTTCATTACA[T>A]CTGCAAAACTCAGAAGAGCAACAATGCTGTCAAAAATGTTCCAGCCTCGGCGAAAGTAGT-3'
Protein context (NP_001336182.1, residues 645-665): DSIVALLSFA[Asp655Val]VMNCVLQKRS